The following is an entry in ClinVar:

ClinVar aggregate classification (germline): Benign. Review status: criteria provided, multiple submitters, no conflicts (2 of 4 stars). 3 submissions from 3 submitters: Benign (3). Last evaluated 2026-02-01.

Conditions:
Doyne honeycomb retinal dystrophy (DHRD). Also called: DOYNE HONEYCOMB DEGENERATION OF RETINA; MALATTIA LEVENTINESE; DRUSEN, RADIAL, AUTOSOMAL DOMINANT. Identifiers: Orphanet 75376, MedGen C1832174, MONDO:0007471, OMIM 126600.

Allele frequency attached by ClinVar (database versions not stated): gnomAD exomes 0.00351 and 0.00916; ExAC 0.01155; gnomAD 0.03547 and 0.03783; 1000 Genomes Project 0.03854; TOPMed 0.04024; 1000 Genomes Project 30x 0.04044; ESP Exome Variant Server 0.04067.
gnomAD v4.1: 10,764 of 1,614,210 alleles (0.67%); highest among the groups gnomAD compares: African/African-American, 12%; 587 homozygotes.

Submissions (3):

Labcorp Genetics (formerly Invitae), Labcorp
Classification: Benign. Last evaluated: 2026-02-01. Review status: criteria provided, single submitter. Criteria: Invitae Variant Classification Sherloc (09022015). Collection method: clinical testing. Allele origin: germline.

Illumina Laboratory Services, Illumina
Classification: Benign for Doyne honeycomb retinal dystrophy. Last evaluated: 2018-01-13. Review status: criteria provided, single submitter. Criteria: ICSL Variant Classification Criteria 13 December 2019. Collection method: clinical testing. Allele origin: germline.
Comment: This variant was observed in the ICSL laboratory as part of a predisposition screen in an ostensibly healthy population. It had not been previously curated by ICSL or reported in the Human Gene Mutation Database (HGMD: prior to June 1st, 2018), and was therefore a candidate for classification through an automated scoring system. Utilizing variant allele frequency, disease prevalence and penetrance estimates, and inheritance mode, an automated score was calculated to assess if this variant is too frequent to cause the disease. Based on the score and internal cut-off values, a variant classified as benign is not then subjected to further curation. The score for this variant resulted in a classification of benign for this disease.

Breakthrough Genomics
Classification: Benign. Review status: criteria provided, single submitter. Criteria: ACMG Guidelines, 2015. Collection method: not provided. Allele origin: germline. Inheritance: Autosomal dominant inheritance. Affected: yes.

NM_001039348.3(EFEMP1):c.207C>A (p.Leu69=)

Gene: EFEMP1 (EGF-like fibulin extracellular matrix protein 1; minus strand). Cytogenetic location: 2p16.1.
Variant type: single nucleotide variant.
Coding change: c.207C>A on transcript NM_001039348.3 (MANE Select); coding-DNA position 207, C replaced by A.
Protein change: p.Leu69=; no amino-acid change (leucine 69 retained).
Molecular consequence: synonymous variant.
Genome position (GRCh38, 1-based): chr2:55,917,975, G>T on the plus strand (C>A on the coding strand, the complement: EFEMP1 is on the minus strand). VCF-style: chr2-55917975-G-T. GRCh37 (hg19) VCF-style: chr2-56145110-G-T.
Other names: c.207C>A, p.Leu69= (NM_001039349.3).
Identifiers: ClinVar variation 336631 (VCV000336631.13), dbSNP rs12292, ClinGen allele CA1668981.